The following is an entry in ClinVar:

NM_000257.4(MYH7):c.5574G>A (p.Arg1858=)

Gene: MYH7 (myosin heavy chain 7; minus strand). Cytogenetic location: 14q11.2.
Variant type: single nucleotide variant.
Coding change: c.5574G>A on transcript NM_000257.4 (MANE Select); coding-DNA position 5574, G replaced by A.
Protein change: p.Arg1858=; no amino-acid change (arginine 1858 retained).
Molecular consequence: synonymous variant.
Genome position (GRCh38, 1-based): chr14:23,414,088, C>T on the plus strand (G>A on the coding strand, the complement: MYH7 is on the minus strand). VCF-style: chr14-23414088-C-T. GRCh37 (hg19) VCF-style: chr14-23883297-C-T.
Other names: p.R1858R:AGG>AGA; c.5574G>A (LRG_384t1).
Identifiers: ClinVar variation 138386 (VCV000138386.16), dbSNP rs529784690, ClinGen allele CA016293.

ClinVar aggregate classification (germline): Benign/Likely benign. Review status: criteria provided, multiple submitters, no conflicts (2 of 4 stars). 5 submissions from 5 submitters: Benign (1); Likely benign (4). Last evaluated 2025-11-01.

Conditions:
Cardiovascular phenotype. Identifiers: MedGen CN230736.
Cardiomyopathy (CMYO). Also called: Cardiomyopathies. Identifiers: Orphanet 167848, MedGen C0878544, MONDO:0004994, HP:0001638. Inheritance: Various modes of inheritance.
Hypertrophic cardiomyopathy. Also called: HYPERTROPHIC MYOCARDIOPATHY. Identifiers: Orphanet 217569, MedGen C0007194, MeSH D002312, MONDO:0005045, HP:0001639.

Allele frequency attached by ClinVar (database versions not stated): ExAC 0.00001; gnomAD 0.00001; gnomAD exomes 0.00001; TOPMed 0.00002; 1000 Genomes Project 30x 0.00016; 1000 Genomes Project 0.00020.
gnomAD v4.1: 5 of 1,613,164 alleles (0.00031%); highest among the groups gnomAD compares: African/African-American, 0.004%; no homozygotes.

Submissions (5):

Labcorp Genetics (formerly Invitae), Labcorp
Classification: Likely benign for Hypertrophic cardiomyopathy. Last evaluated: 2025-11-01. Review status: criteria provided, single submitter. Criteria: Invitae Variant Classification Sherloc (09022015). Collection method: clinical testing. Allele origin: germline.

All of Us Research Program, National Institutes of Health
Classification: Likely benign for Cardiomyopathy. Last evaluated: 2023-11-02. Review status: criteria provided, single submitter. Criteria: ACMG Guidelines, 2015. Collection method: clinical testing. Allele origin: germline. Inheritance: Autosomal dominant inheritance. Observed: 5 variant alleles, 5 heterozygotes.
Comment: This study involves interpretation of variants in research participants for the purpose of population health screening. Participant phenotype was not available at the time of variant classification. Additional details can be found in publication PMID: 35346344, PMCID: PMC8962531

Color Diagnostics, LLC DBA Color Health
Classification: Likely benign for Cardiomyopathy. Last evaluated: 2023-04-05. Review status: criteria provided, single submitter. Criteria: ACMG Guidelines, 2015. Collection method: clinical testing. Allele origin: germline.

Ambry Genetics
Classification: Likely benign for Cardiovascular phenotype. Last evaluated: 2021-02-09. Review status: criteria provided, single submitter. Criteria: Ambry Variant Classification Scheme 2023. Collection method: clinical testing. Allele origin: germline.

GeneDx
Classification: Benign. Last evaluated: 2013-12-10. Review status: criteria provided, single submitter. Criteria: GeneDx Variant Classification (06012015). Collection method: clinical testing. Allele origin: germline. Affected: yes.
Comment: This variant is considered likely benign or benign based on one or more of the following criteria: it is a conservative change, it occurs at a poorly conserved position in the protein, it is predicted to be benign by multiple in silico algorithms, and/or has population frequency not consistent with disease.